The following is an entry in ClinVar:

ClinVar aggregate classification (germline): Benign. Review status: criteria provided, multiple submitters, no conflicts (2 of 4 stars). 4 submissions from 4 submitters: Benign (4). Last evaluated 2023-11-12.

Conditions:
Combined immunodeficiency due to DOCK8 deficiency (HIES2). Also called: Hyper-IgE recurrent infection syndrome, autosomal recessive; HYPER-IgE SYNDROME 2, AUTOSOMAL RECESSIVE, WITH RECURRENT INFECTIONS; HIES autosomal recessive; HYPER-IgE RECURRENT INFECTION SYNDROME 2, AUTOSOMAL RECESSIVE; DOCK8 Deficiency. Identifiers: Orphanet 217390, MedGen C4722305, MONDO:0009478, OMIM 243700.

Allele frequency attached by ClinVar (database versions not stated): gnomAD 0.63039 and 0.63508; TOPMed 0.63068; 1000 Genomes Project 30x 0.67286; 1000 Genomes Project 0.67552.
gnomAD v4.1: 874,881 of 1,349,064 alleles (65%); highest among the groups gnomAD compares: South Asian, 75%; 285,328 homozygotes.

Submissions (4):

Unidad de Genómica Garrahan, Hospital de Pediatría Garrahan
Classification: Benign. Last evaluated: 2023-11-12. Review status: criteria provided, single submitter. Criteria: ACMG Guidelines, 2015. Collection method: clinical testing. Allele origin: germline. Affected: no. Observed: 28 variant alleles.
Comment: This variant is classified as Benign based on local population frequency. This variant was detected in 29% of patients studied by a panel of primary immunodeficiencies. Number of patients: 28. Only high quality variants are reported.

Genome-Nilou Lab
Classification: Benign for Combined immunodeficiency due to DOCK8 deficiency. Last evaluated: 2021-07-14. Review status: criteria provided, single submitter. Criteria: ACMG Guidelines, 2015. Collection method: clinical testing. Allele origin: germline. Affected: no.

GeneDx
Classification: Benign. Last evaluated: 2018-06-26. Review status: criteria provided, single submitter. Criteria: GeneDx Variant Classification Process June 2021. Collection method: clinical testing. Allele origin: germline. Affected: yes.

Breakthrough Genomics
Classification: Benign. Review status: criteria provided, single submitter. Criteria: ACMG Guidelines, 2015. Collection method: not provided. Allele origin: germline. Inheritance: Autosomal recessive inheritance. Affected: yes.

NM_203447.4(DOCK8):c.895-84G>C

Gene: DOCK8 (dedicator of cytokinesis 8; plus strand). Cytogenetic location: 9p24.3.
Variant type: single nucleotide variant.
Coding change: c.895-84G>C on transcript NM_203447.4 (MANE Select); 84 bases into the intron before coding-DNA position 895, G replaced by C.
Molecular consequence: intron variant.
Genome position (GRCh38, 1-based): chr9:327,938, G>C. VCF-style: chr9-327938-G-C. GRCh37 (hg19) VCF-style: chr9-327938-G-C.
Other names: c.691-84G>C (NM_001193536.2, NM_001190458.2).
Identifiers: ClinVar variation 1185500 (VCV001185500.7), dbSNP rs2296825, ClinGen allele CA15625427.
Genomic context (GRCh38, chr9:327,938, plus strand): 5'-AGCCACTTTCCTAAACCACATCTGTGATTATTACACTTACTCCTTCAGCAAAATTTCTCT[G>C]TGGTGTTTTTACTCCTTTTTAACATGTTTAAACCATGAATGCAACAGGTCTAACTTATAT-3'